The following is an entry in ClinVar:

NM_080425.4(GNAS):c.1213G>A (p.Gly405Arg)

Gene: GNAS (GNAS complex locus; plus strand). Cytogenetic location: 20q13.32.
Variant type: single nucleotide variant.
Coding change: c.1213G>A on transcript NM_080425.4 (MANE Plus Clinical); coding-DNA position 1213, G replaced by A.
Protein change: p.Gly405Arg; replaces glycine 405 with arginine.
Molecular consequence: missense variant. On other transcripts: synonymous variant (2), intron variant (3).
Genome position (GRCh38, 1-based): chr20:58,854,478, G>A. VCF-style: chr20-58854478-G-A. GRCh37 (hg19) VCF-style: chr20-57429533-G-A.
Other names: c.1026G>A, p.Pro342= (NM_001077490.3, NM_001309883.1); c.1213G>A, p.Gly405Arg (NM_001410913.1); c.*42+13592G>A (NM_016592.5); c.43+13592G>A (NM_001410912.1); c.-39+12603G>A (NM_001309861.2); short protein forms G405R.
Identifiers: ClinVar variation 4989248 (VCV004989248.1).

ClinVar aggregate classification (germline): Uncertain significance (1 of 4 stars; one submission).

Conditions:
GNAS-related disorder. Identifiers: MedGen CN380105.

gnomAD v4.1: 6 of 1,584,086 alleles (0.00038%); highest among the groups gnomAD compares: East Asian, 0.0023%; no homozygotes.

Submission:

PreventionGenetics, part of Exact Sciences
Classification: Uncertain significance for GNAS-related condition. Last evaluated: 2025-06-06. Review status: criteria provided, single submitter. Criteria: ACMG Guidelines, 2015. Collection method: clinical testing. Allele origin: germline.
Comment: The GNAS c.1213G>A variant is predicted to result in the amino acid substitution p.Gly405Arg. In the primary transcript listed in the Human Gene Mutation Database, this variant is pre-coding (c.-37249G>A, NM_000516.7). To our knowledge, this variant has not been reported in the literature or in a large population database, indicating this variant is rare. At this time, the clinical significance of this variant is uncertain due to the absence of conclusive functional and genetic evidence.